The following is an entry in ClinVar:

ClinVar aggregate classification (germline): Uncertain significance (1 of 4 stars; one submission).

Conditions:
Developmental and epileptic encephalopathy, 36 (DEE36). Also called: Congenital disorder of glycosylation, type Is; ALG13-CDG; Epileptic encephalopathy, early infantile, 36. Identifiers: Orphanet 324422, MedGen C4317295, MONDO:0010472, OMIM 300884.

gnomAD v4.1: 1 of 1,211,310 alleles (0.000083%); no homozygotes.

Submission:

Labcorp Genetics (formerly Invitae), Labcorp
Classification: Uncertain significance for Developmental and epileptic encephalopathy, 36. Last evaluated: 2024-06-13. Review status: criteria provided, single submitter. Criteria: Invitae Variant Classification Sherloc (09022015). Collection method: clinical testing. Allele origin: germline.
Comment: This sequence change replaces histidine, which is basic and polar, with tyrosine, which is neutral and polar, at codon 771 of the ALG13 protein (p.His771Tyr). This variant is not present in population databases (gnomAD no frequency). This variant has not been reported in the literature in individuals affected with ALG13-related conditions. Advanced modeling of protein sequence and biophysical properties (such as structural, functional, and spatial information, amino acid conservation, physicochemical variation, residue mobility, and thermodynamic stability) performed at Invitae indicates that this missense variant is not expected to disrupt ALG13 protein function with a negative predictive value of 80%. In summary, the available evidence is currently insufficient to determine the role of this variant in disease. Therefore, it has been classified as a Variant of Uncertain Significance.

NM_001099922.3(ALG13):c.2311C>T (p.His771Tyr)

Gene: ALG13 (ALG13 UDP-N-acetylglucosaminyltransferase subunit; plus strand). Cytogenetic location: Xq23.
Variant type: single nucleotide variant.
Coding change: c.2311C>T on transcript NM_001099922.3 (MANE Select); coding-DNA position 2311, C replaced by T.
Protein change: p.His771Tyr; replaces histidine 771 with tyrosine.
Molecular consequence: missense variant. On other transcripts: non-coding transcript variant (1).
Genome position (GRCh38, 1-based): chrX:111,728,248, C>T. VCF-style: chrX-111728248-C-T. GRCh37 (hg19) VCF-style: chrX-110971476-C-T.
Other names: c.1999C>T, p.His667Tyr (NM_001257230.2, NM_001257234.2, NM_001257237.2); c.2077C>T, p.His693Tyr (NM_001257231.2); c.2311C>T, p.His771Tyr (NM_001324292.2); c.1825C>T, p.His609Tyr (NM_001324293.1); short protein forms H609Y, H667Y, H693Y, H771Y.
Identifiers: ClinVar variation 3672508 (VCV003672508.2).